The following is an entry in ClinVar:

NM_001166114.2(PNPLA6):c.1492G>A (p.Ala498Thr)

Gene: PNPLA6 (patatin like domain 6, lysophospholipase; plus strand). Cytogenetic location: 19p13.2.
Variant type: single nucleotide variant.
Coding change: c.1492G>A on transcript NM_001166114.2 (MANE Select); coding-DNA position 1492, G replaced by A.
Protein change: p.Ala498Thr; replaces alanine 498 with threonine.
Molecular consequence: missense variant.
Genome position (GRCh38, 1-based): chr19:7,542,890, G>A. VCF-style: chr19-7542890-G-A. GRCh37 (hg19) VCF-style: chr19-7607776-G-A.
Other names: c.1519G>A, p.Ala507Thr (NM_001166111.2); c.1375G>A, p.Ala459Thr (NM_001166112.2, NM_001166113.1, NM_006702.5); short protein forms A459T, A507T, A498T.
Identifiers: ClinVar variation 547855 (VCV000547855.11), dbSNP rs375397452, ClinGen allele CA9139827.

ClinVar aggregate classification (germline): Uncertain significance. Review status: criteria provided, multiple submitters, no conflicts (2 of 4 stars). 2 submissions from 2 submitters: Uncertain significance (2). Last evaluated 2023-12-11.

Conditions:
Hereditary spastic paraplegia 39 (SPG39). Also called: SPASTIC PARAPLEGIA 39, AUTOSOMAL RECESSIVE; Spastic Paraplegia Type 39 (SPG39). Identifiers: Orphanet 139480, MedGen C2677586, MONDO:0012787, OMIM 612020.
Laurence-Moon syndrome (LNMS). Also called: PNPLA6-Related Laurence-Moon Syndrome (LMS). Identifiers: Orphanet 2377, MedGen C0023138, MONDO:0009514, OMIM 245800.
Trichomegaly-retina pigmentary degeneration-dwarfism syndrome (OMCS). Also called: Eyelashes long mental retardation; Trichomegaly retina pigmentary degeneration dwarfism; OLIVER-MCFARLANE SYNDROME; Oliver-McFarlane Syndrome (OMCS). Identifiers: Orphanet 3363, MedGen C1848745, MONDO:0010152, OMIM 275400.
Ataxia-hypogonadism-choroidal dystrophy syndrome (BNHS). Also called: Chorioretinal dystrophy, spinocerebellar ataxia and hypogonadotropic hypogonadism; Boucher-Neuhäuser Syndrome (BNS). Identifiers: Orphanet 1180, MedGen C1859093, MONDO:0008980, OMIM 215470.

Allele frequency attached by ClinVar (database versions not stated): gnomAD 0.00005; gnomAD exomes 0.00001 and 0.00003; TOPMed 0.00008; ExAC 0.00005; ESP Exome Variant Server 0.00008.
gnomAD v4.1: 19 of 1,613,348 alleles (0.0012%); highest among the groups gnomAD compares: African/African-American, 0.024%; no homozygotes.

Submissions (2):

Labcorp Genetics (formerly Invitae), Labcorp
Classification: Uncertain significance for Hereditary spastic paraplegia 39. Last evaluated: 2023-12-11. Review status: criteria provided, single submitter. Criteria: Invitae Variant Classification Sherloc (09022015). Collection method: clinical testing. Allele origin: germline.
Comment: This sequence change replaces alanine, which is neutral and non-polar, with threonine, which is neutral and polar, at codon 459 of the PNPLA6 protein (p.Ala459Thr). This variant is present in population databases (rs375397452, gnomAD 0.04%). This variant has not been reported in the literature in individuals affected with PNPLA6-related conditions. ClinVar contains an entry for this variant (Variation ID: 547855). Advanced modeling of protein sequence and biophysical properties (such as structural, functional, and spatial information, amino acid conservation, physicochemical variation, residue mobility, and thermodynamic stability) has been performed at Invitae for this missense variant, however the output from this modeling did not meet the statistical confidence thresholds required to predict the impact of this variant on PNPLA6 protein function. In summary, the available evidence is currently insufficient to determine the role of this variant in disease. Therefore, it has been classified as a Variant of Uncertain Significance.

Mayo Clinic Laboratories, Mayo Clinic
Classification: Uncertain significance for Laurence-Moon syndrome; Ataxia-hypogonadism-choroidal dystrophy syndrome; Trichomegaly-retina pigmentary degeneration-dwarfism syndrome; Hereditary spastic paraplegia 39. Last evaluated: 2016-06-08. Review status: criteria provided, single submitter. Criteria: ACMG Guidelines, 2015. Collection method: clinical testing. Allele origin: paternal.